The following is an entry in ClinVar:

NM_012210.4(TRIM32):c.1885C>T (p.Gln629Ter)

Genes: ASTN2 (astrotactin 2; minus strand), TRIM32 (tripartite motif containing 32; plus strand). Cytogenetic location: 9q33.1.
Variant type: single nucleotide variant.
Coding change: c.1885C>T on transcript NM_012210.4 (MANE Select); coding-DNA position 1885, C replaced by T.
Protein change: p.Gln629Ter; replaces glutamine 629 with a stop codon.
Molecular consequence: nonsense. On other transcripts: intron variant (3).
Genome position (GRCh38, 1-based): chr9:116,699,627, C>T. VCF-style: chr9-116699627-C-T. GRCh37 (hg19) VCF-style: chr9-119461906-C-T.
Other names: c.1885C>T, p.Gln629Ter (NM_001099679.2, NM_001379048.1, NM_001379049.1 and 1 more transcripts); c.2653+26144G>A (NM_014010.5); c.2794+26144G>A (NM_001365069.1); c.2806+26144G>A (NM_001365068.1); short protein forms Q629*.
Identifiers: ClinVar variation 1992802 (VCV001992802.4), dbSNP rs2491070418, ClinGen allele CA374652640.

ClinVar aggregate classification (germline): Uncertain significance (1 of 4 stars; one submission).

Conditions:
Bardet-Biedl syndrome (BBS). Identifiers: Orphanet 110, MedGen C0752166, MONDO:0015229.

Submission:

Labcorp Genetics (formerly Invitae), Labcorp
Classification: Uncertain significance for Bardet-Biedl syndrome. Last evaluated: 2022-05-10. Review status: criteria provided, single submitter. Criteria: Invitae Variant Classification Sherloc (09022015). Collection method: clinical testing. Allele origin: germline.
Comment: This variant has not been reported in the literature in individuals affected with TRIM32-related conditions. In summary, the available evidence is currently insufficient to determine the role of this variant in disease. Therefore, it has been classified as a Variant of Uncertain Significance. Experimental studies and prediction algorithms are not available or were not evaluated, and the functional significance of this variant is currently unknown. This variant is not present in population databases (gnomAD no frequency). This sequence change creates a premature translational stop signal (p.Gln629*) in the TRIM32 gene. While this is not anticipated to result in nonsense mediated decay, it is expected to disrupt the last 25 amino acid(s) of the TRIM32 protein.